The following is an entry in ClinVar:

ClinVar aggregate classification (germline): Pathogenic. Review status: criteria provided, multiple submitters, no conflicts (2 of 4 stars). 5 submissions from 5 submitters: Pathogenic (5). Last evaluated 2025-09-05.
ClinVar aggregate classification (oncogenicity): Likely oncogenic (1 of 4 stars; one submission).

Conditions:
NF1-related disorder. Also called: NF1-related condition. Identifiers: MedGen CN379171.
Neurofibromatosis, type 1 (NF1). Also called: Neurofibromatosis, type I; VON RECKLINGHAUSEN DISEASE; NEUROFIBROMATOSIS, TYPE I, SOMATIC; Peripheral type neurofibromatosis. Identifiers: Orphanet 636, MedGen C0027831, MONDO:0018975, OMIM 162200. Disease mechanism: loss of function.
Neoplasm. Also called: Neoplasms; Neoplasm (disease); tumor. Identifiers: MedGen C0027651, MeSH D009369, MONDO:0005070, HP:0002664.

Submissions (6):

GeneDx
Classification: Pathogenic. Last evaluated: 2025-09-05. Review status: criteria provided, single submitter. Criteria: GeneDx Variant Classification Process June 2021. Collection method: clinical testing. Allele origin: germline. Affected: yes.
Comment: Nonsense variant predicted to result in protein truncation or nonsense mediated decay in a gene for which loss of function is a known mechanism of disease; Not observed at significant frequency in large population cohorts (gnomAD); Has not been previously published as pathogenic or benign to our knowledge

Labcorp Genetics (formerly Invitae), Labcorp
Classification: Pathogenic for Neurofibromatosis, type 1. Last evaluated: 2025-06-19. Review status: criteria provided, single submitter. Criteria: Invitae Variant Classification Sherloc (09022015). Collection method: clinical testing. Allele origin: germline.
Comment: This sequence change creates a premature translational stop signal (p.Gln531*) in the NF1 gene. It is expected to result in an absent or disrupted protein product. Loss-of-function variants in NF1 are known to be pathogenic (PMID: 10712197, 23913538). This variant is not present in population databases (gnomAD no frequency). This variant has not been reported in the literature in individuals affected with NF1-related conditions. Invitae Evidence Modeling of clinical and family history, age, sex, and reported ancestry of multiple individuals with this NF1 variant has been performed. This variant is expected to be pathogenic with a positive predictive value of at least 99%. This is a validated machine learning model that incorporates the clinical features of 1,785,918 individuals referred to our laboratory for NF1 testing. ClinVar contains an entry for this variant (Variation ID: 373005). For these reasons, this variant has been classified as Pathogenic.

Center for Genomic Medicine, Rigshospitalet, Copenhagen University Hospital
Classification: Likely oncogenic for Neoplasm. Last evaluated: 2025-03-04. Review status: criteria provided, single submitter. Criteria: ClinGen/CGC/VICC Guidelines for Oncogenicity, 2022. Collection method: clinical testing. Allele origin: somatic. Affected: yes.

PreventionGenetics, part of Exact Sciences
Classification: Pathogenic for NF1-related condition. Last evaluated: 2024-12-29. Review status: criteria provided, single submitter. Criteria: ACMG Guidelines, 2015. Collection method: clinical testing. Allele origin: germline.
Comment: The NF1 c.1591C>T variant is predicted to result in premature protein termination (p.Gln531*). To our knowledge, this variant has not been reported in the literature or a large population database (gnomAD), indicating this variant is rare. In ClinVar, this variant has been interpreted as pathogenic. Nonsense variants in NF1 are expected to be pathogenic. This variant is interpreted as pathogenic.

Genome-Nilou Lab
Classification: Pathogenic for Neurofibromatosis, type 1. Last evaluated: 2022-03-15. Review status: criteria provided, single submitter. Criteria: ACMG Guidelines, 2015. Collection method: clinical testing. Allele origin: germline. Affected: no.

Juno Genomics, Hangzhou Juno Genomics, Inc
Classification: Pathogenic for Neurofibromatosis, type 1. Review status: criteria provided, single submitter. Criteria: ACMG Guidelines, 2015. Collection method: clinical testing. Allele origin: germline. Affected: yes.
Comment: Absent from controls (or at extremely low frequency if recessive) in Genome Aggregation Database, Exome Sequencing Project, 1000 Genomes Project, or Exome Aggregation Consortium.;Null variant in a gene where loss of function (LOF) is a known mechanism of disease.;The prevalence of the variant in affected individuals is significantly increased compared to the prevalence in controls.;Patient's phenotype or family history is highly specific for a disease with a single genetic etiology.;Assumed de novo, but without confirmation of paternity and maternity.

Literature cited by the submitters: PubMed 10712197 (cited by Labcorp Genetics (formerly Invitae), Labcorp); PubMed 23913538 (cited by Labcorp Genetics (formerly Invitae), Labcorp); PubMed 34046057 (cited by Center for Genomic Medicine, Rigshospitalet, Copenhagen University Hospital).

NM_001042492.3(NF1):c.1591C>T (p.Gln531Ter)

Gene: NF1 (neurofibromin 1; plus strand). Cytogenetic location: 17q11.2.
Variant type: single nucleotide variant.
Coding change: c.1591C>T on transcript NM_001042492.3 (MANE Select); coding-DNA position 1591, C replaced by T.
Protein change: p.Gln531Ter; replaces glutamine 531 with a stop codon.
Molecular consequence: nonsense.
Genome position (GRCh38, 1-based): chr17:31,219,068, C>T. VCF-style: chr17-31219068-C-T. GRCh37 (hg19) VCF-style: chr17-29546086-C-T.
Other names: c.1591C>T, p.Gln531Ter (NM_000267.4, NM_001128147.3); short protein forms Q531*.
Identifiers: ClinVar variation 373005 (VCV000373005.16), dbSNP rs1057518134, ClinGen allele CA16042974.